The following is an entry in ClinVar:

ClinVar aggregate classification (germline): Likely benign. Review status: criteria provided, multiple submitters, no conflicts (2 of 4 stars). 2 submissions from 2 submitters: Likely benign (2). Last evaluated 2018-06-16.

Allele frequency attached by ClinVar (database versions not stated): gnomAD 0.01789 and 0.01912; gnomAD exomes 0.01879; TOPMed 0.01912; 1000 Genomes Project 30x 0.03092; 1000 Genomes Project 0.03355.
gnomAD v4.1: 30,502 of 1,611,634 alleles (1.9%); highest among the groups gnomAD compares: East Asian, 12%; 594 homozygotes.

Submissions (2):

GeneDx
Classification: Likely benign. Last evaluated: 2018-06-16. Review status: criteria provided, single submitter. Criteria: GeneDx Variant Classification (06012015). Collection method: clinical testing. Allele origin: germline. Affected: yes.
Comment: This variant is considered likely benign or benign based on one or more of the following criteria: it is a conservative change, it occurs at a poorly conserved position in the protein, it is predicted to be benign by multiple in silico algorithms, and/or has population frequency not consistent with disease.

Breakthrough Genomics
Classification: Likely benign. Review status: criteria provided, single submitter. Criteria: ACMG Guidelines, 2015. Collection method: not provided. Allele origin: germline. Inheritance: Autosomal recessive inheritance. Affected: yes.

NM_001122955.4(BSCL2):c.766-79G>T

Genes: BSCL2 (BSCL2 lipid droplet biogenesis associated, seipin; minus strand), HNRNPUL2-BSCL2 (HNRNPUL2-BSCL2 readthrough (NMD candidate); minus strand). Cytogenetic location: 11q12.3.
Variant type: single nucleotide variant.
Coding change: c.766-79G>T on transcript NM_001122955.4 (MANE Select); 79 bases into the intron before coding-DNA position 766, G replaced by T.
Molecular consequence: intron variant.
Genome position (GRCh38, 1-based): chr11:62,692,552, C>A on the plus strand (G>T on the coding strand, the complement: BSCL2 is on the minus strand). VCF-style: chr11-62692552-C-A. GRCh37 (hg19) VCF-style: chr11-62460024-C-A.
Other names: c.574-79G>T (NM_001130702.2, NM_032667.6); c.766-79G>T (NM_001386028.1, NM_001386027.1).
Identifiers: ClinVar variation 677575 (VCV000677575.2), dbSNP rs74388071, ClinGen allele CA13419237.
Genomic context (GRCh38, chr11:62,692,552, plus strand): 5'-AGGGTGGCGTCAGGCCAGGGTCCTGCCGCTAGCACTCTTACCCGCCTCATCTGAGCCCCA[C>A]TTCCAGTCTCTCAGTTGTGATGTCTCCTGAGCCTGGAGGCTTCTCAGGTAGAATCCTGGG-3'